The following is an entry in ClinVar:

NM_001038603.3(MARVELD2):c.1007G>A (p.Arg336Gln)

Gene: MARVELD2 (MARVEL domain containing 2; plus strand). Cytogenetic location: 5q13.2.
Variant type: single nucleotide variant.
Coding change: c.1007G>A on transcript NM_001038603.3 (MANE Select); coding-DNA position 1007, G replaced by A.
Protein change: p.Arg336Gln; replaces arginine 336 with glutamine.
Molecular consequence: missense variant.
Genome position (GRCh38, 1-based): chr5:69,420,392, G>A. VCF-style: chr5-69420392-G-A. GRCh37 (hg19) VCF-style: chr5-68716219-G-A.
Other names: c.1007G>A, p.Arg336Gln (NM_001244734.2); short protein forms R336Q.
Identifiers: ClinVar variation 2503289 (VCV002503289.2), dbSNP rs375420522, ClinGen allele CA3294155.
Genomic context (GRCh38, chr5:69,420,392, plus strand): 5'-ACCGAGGTGGCCTCTGCTACTATCCGTTATTTAATACACCAGTGAATGCAGTGTTCTGCC[G>A]GGTAGAAGGAGGACAGATAGCTGCAATGATCTTCCTGTTTGTCACCATGATAGTTTATCT-3'
Protein context (NP_001033692.2, residues 326-346): FNTPVNAVFC[Arg336Gln]VEGGQIAAMI

ClinVar aggregate classification (germline): Uncertain significance. Review status: criteria provided, multiple submitters, no conflicts (2 of 4 stars). 2 submissions from 2 submitters: Uncertain significance (2). Last evaluated 2026-07-02.

Allele frequency attached by ClinVar (database versions not stated): ExAC 0.00002; ESP Exome Variant Server 0.00008.
gnomAD v4.1: 54 of 1,613,896 alleles (0.0033%); highest among the groups gnomAD compares: Non-Finnish European, 0.0033%; no homozygotes.

Submissions (2):

GeneDx
Classification: Uncertain significance. Last evaluated: 2026-07-02. Review status: criteria provided, single submitter. Criteria: GeneDx Variant Classification Process June 2021. Collection method: clinical testing. Allele origin: germline.
Comment: In silico analysis suggests that this missense variant does not alter protein structure/function; Has not been previously published as pathogenic or benign to our knowledge

Blueprint Genetics
Classification: Uncertain significance. Last evaluated: 2021-10-19. Review status: criteria provided, single submitter. Criteria: ACMG Guidelines, 2015. Collection method: clinical testing. Allele origin: germline.